The following is an entry in ClinVar:

NM_007194.4(CHEK2):c.1478G>C (p.Arg493Thr)

Gene: CHEK2 (checkpoint kinase 2; minus strand). Cytogenetic location: 22q12.1.
Variant type: single nucleotide variant.
Coding change: c.1478G>C on transcript NM_007194.4 (MANE Select); coding-DNA position 1478, G replaced by C.
Protein change: p.Arg493Thr; replaces arginine 493 with threonine.
Molecular consequence: missense variant.
Genome position (GRCh38, 1-based): chr22:28,689,199, C>G on the plus strand (G>C on the coding strand, the complement: CHEK2 is on the minus strand). VCF-style: chr22-28689199-C-G. GRCh37 (hg19) VCF-style: chr22-29085187-C-G.
Other names: c.1607G>C, p.Arg536Thr (NM_001005735.3); c.815G>C, p.Arg272Thr (NM_001257387.3); c.1277G>C, p.Arg426Thr (NM_001349956.3); c.1391G>C, p.Arg464Thr (NM_145862.3); short protein forms R493T, R272T, R536T, R426T, R464T.
Identifiers: ClinVar variation 630752 (VCV000630752.17), dbSNP rs1569104499, ClinGen allele CA411092596.

ClinVar aggregate classification (germline): Uncertain significance. Review status: criteria provided, multiple submitters, no conflicts (2 of 4 stars). 3 submissions from 3 submitters: Uncertain significance (3). Last evaluated 2025-12-01.

Conditions:
Hereditary cancer-predisposing syndrome. Also called: Tumor predisposition; Neoplastic Syndromes, Hereditary; Hereditary neoplastic syndrome; Hereditary Cancer Syndrome. Identifiers: Orphanet 140162, MedGen C0027672, MeSH D009386, MONDO:0015356.
Familial cancer of breast. Also called: hereditary breast carcinoma; BREAST CANCER, FAMILIAL; Hereditary breast cancer. Identifiers: Orphanet 227535, MedGen C0346153, MONDO:0016419, OMIM 114480. Disease mechanism: loss of function.

Submissions (3):

Ambry Genetics
Classification: Uncertain significance for Hereditary cancer-predisposing syndrome. Last evaluated: 2025-12-01. Review status: criteria provided, single submitter. Criteria: Ambry Variant Classification Scheme 2023. Collection method: clinical testing. Allele origin: germline.
Comment: The p.R493T variant (also known as c.1478G>C), located in coding exon 13 of the CHEK2 gene, results from a G to C substitution at nucleotide position 1478. The arginine at codon 493 is replaced by threonine, an amino acid with similar properties. This amino acid position is not well conserved in available vertebrate species. In addition, this alteration is predicted to be tolerated by in silico analysis. Since supporting evidence is limited at this time, the clinical significance of this alteration remains unclear.

Labcorp Genetics (formerly Invitae), Labcorp
Classification: Uncertain significance for Familial cancer of breast. Last evaluated: 2025-01-21. Review status: criteria provided, single submitter. Criteria: Invitae Variant Classification Sherloc (09022015). Collection method: clinical testing. Allele origin: germline.
Comment: This sequence change replaces arginine, which is basic and polar, with threonine, which is neutral and polar, at codon 493 of the CHEK2 protein (p.Arg493Thr). This variant is not present in population databases (gnomAD no frequency). This variant has not been reported in the literature in individuals affected with CHEK2-related conditions. ClinVar contains an entry for this variant (Variation ID: 630752). An algorithm developed to predict the effect of missense changes on protein structure and function outputs the following: PolyPhen-2: "Benign". The threonine amino acid residue is found in multiple mammalian species, which suggests that this missense change does not adversely affect protein function. In summary, the available evidence is currently insufficient to determine the role of this variant in disease. Therefore, it has been classified as a Variant of Uncertain Significance.

Color Diagnostics, LLC DBA Color Health
Classification: Uncertain significance for Hereditary cancer-predisposing syndrome. Last evaluated: 2023-12-05. Review status: criteria provided, single submitter. Criteria: ACMG Guidelines, 2015. Collection method: clinical testing. Allele origin: germline.
Comment: This missense variant replaces arginine with threonine at codon 493 of the CHEK2 protein. Computational prediction suggests that this variant may not impact protein structure and function (internally defined REVEL score threshold <= 0.5, PMID: 27666373). To our knowledge, functional studies have not been reported for this variant. This variant has not been reported in individuals affected with CHEK2-related disorders in the literature. This variant has not been identified in the general population by the Genome Aggregation Database (gnomAD). The available evidence is insufficient to determine the role of this variant in disease conclusively. Therefore, this variant is classified as a Variant of Uncertain Significance.